The following is an entry in ClinVar:

ClinVar aggregate classification (germline): Uncertain significance. Review status: criteria provided, multiple submitters, no conflicts (2 of 4 stars). 2 submissions from 2 submitters: Uncertain significance (2). Last evaluated 2024-07-01.

Conditions:
Inborn genetic diseases. Identifiers: MedGen C0950123, MeSH D030342.
Ulnar-mammary syndrome (UMS). Also called: SCHINZEL SYNDROME; PALLISTER ULNAR-MAMMARY SYNDROME; Ulnar-mammary syndrome of Pallister. Identifiers: Orphanet 3138, MedGen C1866994, MONDO:0008411, OMIM 181450.

Allele frequency attached by ClinVar (database versions not stated): gnomAD exomes 0.00002; gnomAD 0.00004; TOPMed 0.00006; 1000 Genomes Project 30x 0.00016; 1000 Genomes Project 0.00020.
gnomAD v4.1: 29 of 1,564,650 alleles (0.0019%); highest among the groups gnomAD compares: East Asian, 0.057%; no homozygotes.

Submissions (2):

Labcorp Genetics (formerly Invitae), Labcorp
Classification: Uncertain significance for Ulnar-mammary syndrome. Last evaluated: 2024-07-01. Review status: criteria provided, single submitter. Criteria: Invitae Variant Classification Sherloc (09022015). Collection method: clinical testing. Allele origin: germline.
Comment: This sequence change replaces methionine, which is neutral and non-polar, with valine, which is neutral and non-polar, at codon 514 of the TBX3 protein (p.Met514Val). This variant is present in population databases (rs200948009, gnomAD 0.06%). This variant has not been reported in the literature in individuals affected with TBX3-related conditions. ClinVar contains an entry for this variant (Variation ID: 2623499). An algorithm developed to predict the effect of missense changes on protein structure and function (PolyPhen-2) suggests that this variant is likely to be tolerated. In summary, the available evidence is currently insufficient to determine the role of this variant in disease. Therefore, it has been classified as a Variant of Uncertain Significance.

Ambry Genetics
Classification: Uncertain significance for Inborn genetic diseases. Last evaluated: 2023-09-13. Review status: criteria provided, single submitter. Criteria: Ambry Variant Classification Scheme 2023. Collection method: clinical testing. Allele origin: germline.

NM_005996.4(TBX3):c.1540A>G (p.Met514Val)

Gene: TBX3 (T-box transcription factor 3; minus strand). Cytogenetic location: 12q24.21.
Variant type: single nucleotide variant.
Coding change: c.1540A>G on transcript NM_005996.4 (MANE Select); coding-DNA position 1540, A replaced by G.
Protein change: p.Met514Val; replaces methionine 514 with valine.
Molecular consequence: missense variant.
Genome position (GRCh38, 1-based): chr12:114,674,335, T>C on the plus strand (A>G on the coding strand, the complement: TBX3 is on the minus strand). VCF-style: chr12-114674335-T-C. GRCh37 (hg19) VCF-style: chr12-115112140-T-C.
Other names: c.1600A>G, p.Met534Val (NM_016569.4); short protein forms M514V, M534V.
Identifiers: ClinVar variation 2623499 (VCV002623499.5), dbSNP rs200948009, ClinGen allele CA6809905.